The following is an entry in ClinVar:

ClinVar aggregate classification (germline): Likely benign. Review status: criteria provided, multiple submitters, no conflicts (2 of 4 stars). 3 submissions from 3 submitters: Likely benign (3). Last evaluated 2024-05-09.

Conditions:
Mitochondrial complex I deficiency, nuclear type 6. Also called: Mitochondrial complex 1 deficiency, nuclear type 6. Identifiers: MedGen C4748759, MONDO:0032611, OMIM 618228.

Allele frequency attached by ClinVar (database versions not stated): gnomAD 0.00011 and 0.00013; TOPMed 0.00039; 1000 Genomes Project 0.00100; 1000 Genomes Project 30x 0.00125; gnomAD exomes 0.00002; ExAC 0.00003.
gnomAD v4.1: 38 of 1,612,318 alleles (0.0024%); highest among the groups gnomAD compares: Admixed American, 0.047%; no homozygotes.

Submissions (3):

Labcorp Genetics (formerly Invitae), Labcorp
Classification: Likely benign. Last evaluated: 2024-05-09. Review status: criteria provided, single submitter. Criteria: Invitae Variant Classification Sherloc (09022015). Collection method: clinical testing. Allele origin: germline.

Genome-Nilou Lab
Classification: Likely benign for Mitochondrial complex I deficiency, nuclear type 6. Last evaluated: 2023-04-11. Review status: criteria provided, single submitter. Criteria: ACMG Guidelines, 2015. Collection method: clinical testing. Allele origin: germline. Affected: no.

GeneDx
Classification: Likely benign. Last evaluated: 2018-05-03. Review status: criteria provided, single submitter. Criteria: GeneDx Variant Classification (06012015). Collection method: clinical testing. Allele origin: germline. Affected: yes.
Comment: This variant is considered likely benign or benign based on one or more of the following criteria: it is a conservative change, it occurs at a poorly conserved position in the protein, it is predicted to be benign by multiple in silico algorithms, and/or has population frequency not consistent with disease.

NM_001377299.1(NDUFS2):c.393+12G>A

Gene: NDUFS2 (NADH:ubiquinone oxidoreductase core subunit S2; plus strand). Cytogenetic location: 1q23.3.
Variant type: single nucleotide variant.
Coding change: c.393+12G>A on transcript NM_001377299.1 (MANE Select); 12 bases into the intron after coding-DNA position 393, G replaced by A.
Molecular consequence: intron variant.
Genome position (GRCh38, 1-based): chr1:161,206,609, G>A. VCF-style: chr1-161206609-G-A. GRCh37 (hg19) VCF-style: chr1-161176399-G-A.
Other names: c.393+12G>A (NM_001377300.1, NM_001377298.1, NM_001377301.1 and 3 more transcripts).
Identifiers: ClinVar variation 682109 (VCV000682109.9), dbSNP rs180970484, ClinGen allele CA1208547.